The following is an entry in ClinVar:

NM_032193.4(RNASEH2C):c.450G>A (p.Trp150Ter)

Gene: RNASEH2C (ribonuclease H2 subunit C; minus strand). Cytogenetic location: 11q13.1.
Variant type: single nucleotide variant.
Coding change: c.450G>A on transcript NM_032193.4 (MANE Select); coding-DNA position 450, G replaced by A.
Protein change: p.Trp150Ter; replaces tryptophan 150 with a stop codon.
Molecular consequence: nonsense.
Genome position (GRCh38, 1-based): chr11:65,720,063, C>T on the plus strand (G>A on the coding strand, the complement: RNASEH2C is on the minus strand). VCF-style: chr11-65720063-C-T. GRCh37 (hg19) VCF-style: chr11-65487534-C-T.
Other names: short protein forms W150*.
Identifiers: ClinVar variation 419542 (VCV000419542.4), dbSNP rs1064793942, ClinGen allele CA16619372.

ClinVar aggregate classification (germline): Likely pathogenic (1 of 4 stars; one submission).

Allele frequency attached by ClinVar (database versions not stated): gnomAD 0.00001; TOPMed below 0.00001.

Submission:

GeneDx
Classification: Likely pathogenic. Last evaluated: 2021-11-03. Review status: criteria provided, single submitter. Criteria: GeneDx Variant Classification Process June 2021. Collection method: clinical testing. Allele origin: germline. Affected: yes.
Comment: Nonsense variant in the C-terminus predicted to result in protein truncation, as the last 15 amino acids are lost, and other loss-of-function variants have been reported downstream in the Human Gene Mutation Database (Stenson et al., 2014); Not observed at significant frequency in large population cohorts (Lek et al., 2016); Has not been previously published as pathogenic or benign to our knowledge